The following is an entry in ClinVar:

NM_001040716.2(PC):c.1721del (p.His574fs)

Gene: PC (pyruvate carboxylase; minus strand). Cytogenetic location: 11q13.2.
Variant type: Deletion.
Coding change: c.1721del on transcript NM_001040716.2 (MANE Select); coding-DNA position 1721, one base deleted (A; older notation c.1721delA).
Protein change: p.His574fs; shifts the reading frame from histidine 574.
Molecular consequence: frameshift variant.
Genome position (GRCh38, 1-based): chr11:66,852,543, T deleted on the plus strand (A on the coding strand, the reverse complement: PC is on the minus strand). VCF-style (leftmost placement, unchanged base first): chr11-66852542-GT-G. GRCh37 (hg19) VCF-style: chr11-66620013-GT-G.
Other names: c.1721del, p.His574fs (NM_000920.4, NM_001439352.1, NM_001439353.1 and 5 more transcripts); short protein forms H574fs.
Identifiers: ClinVar variation 5015848 (VCV005015848.1).
Genomic context (GRCh38, chr11:66,852,542, plus strand): 5'-AACATAGGGGGCGATCTTTTTGAGATCGTGGGTGCGCACACGAGTGGCCAGCAGTGACTG[GT>G]GGGCGTCCCTGAAGGTCGTGTCCATCAGCAGCAGCCCCGGGTGGTTCCGCACAGCTCGAG-3'

ClinVar aggregate classification (germline): Pathogenic (1 of 4 stars; one submission).

Conditions:
Pyruvate carboxylase deficiency. Also called: ATAXIA WITH LACTIC ACIDOSIS II; LEIGH NECROTIZING ENCEPHALOPATHY DUE TO PYRUVATE CARBOXYLASE DEFICIENCY; LEIGH SYNDROME DUE TO PYRUVATE CARBOXYLASE DEFICIENCY; PC DEFICIENCY; Pyruvate Carboxylase Deficiency Disease. Identifiers: Orphanet 3008, MedGen C0034341, MONDO:0009949, OMIM 266150.

Submission:

Myriad Genetics, Inc.
Classification: Pathogenic for Pyruvate carboxylase deficiency. Last evaluated: 2026-04-30. Review status: criteria provided, single submitter. Criteria: Myriad Autosomal Dominant, Autosomal Recessive and X-Linked Classification Criteria (2023). Collection method: clinical testing. Allele origin: unknown.
Comment: NM_000920.3(PC):c.1721delA(H574Pfs*174) is expected to be pathogenic in the context of pyruvate carboxylase deficiency. This variant is predicted to lead to an abnormal or absent protein product due to the creation of a premature termination codon in PC, a gene where loss-of-function variants are known to be pathogenic. Please note: this variant was assessed in the context of healthy population screening.